The following is an entry in ClinVar:

NM_005076.5(CNTN2):c.2126-1G>C

Gene: CNTN2 (contactin 2; plus strand). Cytogenetic location: 1q32.1.
Variant type: single nucleotide variant.
Coding change: c.2126-1G>C on transcript NM_005076.5 (MANE Select); the canonical splice acceptor site of the intron before coding-DNA position 2126, G replaced by C.
Molecular consequence: splice acceptor variant.
Genome position (GRCh38, 1-based): chr1:205,069,490, G>C. VCF-style: chr1-205069490-G-C. GRCh37 (hg19) VCF-style: chr1-205038618-G-C.
Other names: c.2126-1G>C (NM_001346083.2).
Identifiers: ClinVar variation 1515118 (VCV001515118.9), dbSNP rs2151198133, ClinGen allele CA344377656.

ClinVar aggregate classification (germline): Pathogenic/Likely pathogenic. Review status: criteria provided, multiple submitters, no conflicts (2 of 4 stars). 2 submissions from 2 submitters: Pathogenic (1); Likely pathogenic (1). Last evaluated 2026-03-20.

Conditions:
Epilepsy, familial adult myoclonic, 5 (EPEO5). Also called: CORTICAL MYOCLONIC TREMOR WITH EPILEPSY, FAMILIAL, 5. Identifiers: Orphanet 86814, MedGen C3809374, MONDO:0014167, OMIM 615400.

Submissions (2):

GeneDx
Classification: Pathogenic. Last evaluated: 2026-03-20. Review status: criteria provided, single submitter. Criteria: GeneDx Variant Classification Process June 2021. Collection method: clinical testing. Allele origin: germline.
Comment: Canonical splice site variant predicted to result in a null allele in a gene for which loss of function is a known mechanism of disease; Not observed at significant frequency in large population cohorts (gnomAD); Has not been previously published as pathogenic or benign to our knowledge

Labcorp Genetics (formerly Invitae), Labcorp
Classification: Likely pathogenic for Epilepsy, familial adult myoclonic, 5. Last evaluated: 2021-06-14. Review status: criteria provided, single submitter. Criteria: Invitae Variant Classification Sherloc (09022015). Collection method: clinical testing. Allele origin: germline.
Comment: This sequence change affects an acceptor splice site in intron 16 of the CNTN2 gene. It is expected to disrupt RNA splicing. Variants that disrupt the donor or acceptor splice site typically lead to a loss of protein function (PMID: 16199547), and loss-of-function variants in CNTN2 are known to be pathogenic (PMID: 11178983, 23518707). This variant is not present in population databases (ExAC no frequency). In summary, the currently available evidence indicates that the variant is pathogenic, but additional data are needed to prove that conclusively. Therefore, this variant has been classified as Likely Pathogenic. Algorithms developed to predict the effect of sequence changes on RNA splicing suggest that this variant may disrupt the consensus splice site, but this prediction has not been confirmed by published transcriptional studies. This variant has not been reported in the literature in individuals with CNTN2-related conditions.

Literature cited by the submitters: PubMed 16199547 (cited by Labcorp Genetics (formerly Invitae), Labcorp); PubMed 11178983 (cited by Labcorp Genetics (formerly Invitae), Labcorp); PubMed 23518707 (cited by Labcorp Genetics (formerly Invitae), Labcorp).